The following is an entry in ClinVar:

NM_000083.3(CLCN1):c.907T>C (p.Trp303Arg)

Gene: CLCN1 (chloride voltage-gated channel 1; plus strand). Cytogenetic location: 7q34.
Variant type: single nucleotide variant.
Coding change: c.907T>C on transcript NM_000083.3 (MANE Select); coding-DNA position 907, T replaced by C.
Protein change: p.Trp303Arg; replaces tryptophan 303 with arginine.
Molecular consequence: missense variant. On other transcripts: non-coding transcript variant (1).
Genome position (GRCh38, 1-based): chr7:143,330,825, T>C. VCF-style: chr7-143330825-T-C. GRCh37 (hg19) VCF-style: chr7-143027918-T-C.
Other names: c.907T>C (NM_000083.2); short protein forms W303R.
Identifiers: ClinVar variation 4685571 (VCV004685571.2).

ClinVar aggregate classification (germline): Pathogenic. Review status: criteria provided, multiple submitters, no conflicts (2 of 4 stars). 2 submissions from 2 submitters: Pathogenic (2). Last evaluated 2025-11-16.

Conditions:
Skeletal muscle channelopathy.
Congenital myotonia, autosomal recessive form. Also called: BECKER DISEASE; Becker Generalized Myotonia; myotonia congenita, autosomal recessive. Identifiers: Orphanet 614, MedGen C0751360, MONDO:0009715, OMIM 255700.

gnomAD v4.1: 5 of 1,614,200 alleles (0.00031%); highest among the groups gnomAD compares: Non-Finnish European, 0.00034%; no homozygotes.

Submissions (2):

Genetics Laboratory, Great Ormond Street Hospital NHS Foundation Trust, North Thames Genomic Laboratory Hub
Classification: Pathogenic for Skeletal muscle channelopathy. Last evaluated: 2025-11-16. Review status: criteria provided, single submitter. Criteria: ACGS Best Practice Guidelines for Variant Classification in Rare Disease 2024 v1.2. Collection method: clinical testing. Allele origin: germline. Affected: yes.
Comment: PS4_moderate, PP3_supporting, PS3_strong, PM1_moderate, PP1_strong

Clinical Genetics Service, Universitary Hospital 12 de Octubre
Classification: Pathogenic for Congenital myotonia, autosomal recessive form. Review status: criteria provided, single submitter. Criteria: ACMG Guidelines, 2015. Collection method: clinical testing. Allele origin: germline. Affected: yes.